The following is an entry in ClinVar:

ClinVar aggregate classification (germline): Conflicting classifications of pathogenicity. Review status: criteria provided, conflicting classifications (1 of 4 stars). 2 submissions from 2 submitters: Pathogenic (1); Uncertain significance (1). Last evaluated 2020-07-01.

Conditions:
Hyperinsulinemic hypoglycemia. Also called: Hyperinsulinemia hypoglycemia; Hyperinsulinemic hypoglycemia (disease). Identifiers: Orphanet 443095, MedGen C1864903, MONDO:0005803, HP:0000825.

Submissions (2):

CeGaT Center for Human Genetics Tuebingen
Classification: Pathogenic. Last evaluated: 2020-07-01. Review status: criteria provided, single submitter. Criteria: CeGaT Center For Human Genetics Tuebingen Variant Classification Criteria Version 2. Collection method: clinical testing. Allele origin: germline. Affected: yes. Observed: 3 variant alleles.

Clinical Genomics, Uppaluri K&H Personalized Medicine Clinic
Classification: Uncertain significance for Hyperinsulinemic hypoglycemia. Review status: criteria provided, single submitter. Criteria: K & H Uppaluri Personalized Medicine Clinic Variant Classification & Assertion Criteria_Updated V.1. Collection method: research. Allele origin: unknown. Inheritance: Autosomal recessive inheritance.
Comment: Potent mutations in HADH gene are associated with congenital hyperinsulinism, which leads to recurrent hypoglycemia. The condition is exacerbated by stress, fasting or excessive dietary protein. May respond well to diazoxide. However, the role of this particular variant rs1735963864 in congenital hyperinsulinism is yet to be ascertained.

Literature cited by the submitters: PubMed 34547194 (cited by Clinical Genomics, Uppaluri K&H Personalized Medicine Clinic); PubMed 34055426 (cited by Clinical Genomics, Uppaluri K&H Personalized Medicine Clinic); PubMed 29280746 (cited by Clinical Genomics, Uppaluri K&H Personalized Medicine Clinic).

NM_005327.7(HADH):c.617del (p.Lys206fs)

Gene: HADH (hydroxyacyl-CoA dehydrogenase; plus strand). Cytogenetic location: 4q25.
Variant type: Deletion.
Coding change: c.617del on transcript NM_005327.7 (MANE Select); coding-DNA position 617, one base deleted (A; older notation c.617delA).
Protein change: p.Lys206fs; shifts the reading frame from lysine 206.
Molecular consequence: frameshift variant.
Genome position (GRCh38, 1-based): chr4:108,023,544, A deleted; the last of 3 consecutive A bases (chr4:108,023,542-108,023,544); deleting any one gives the same sequence. VCF-style (leftmost placement, unchanged base first): chr4-108023541-GA-G. GRCh37 (hg19) VCF-style: chr4-108944697-GA-G.
Other names: c.617del, p.Lys206fs (NM_001184705.4); c.629del, p.Lys210fs (NM_001331027.2); short protein forms K210fs, K206fs.
Identifiers: ClinVar variation 871109 (VCV000871109.41), dbSNP rs1735963864, ClinGen allele CA1139658592.
Genomic context (GRCh38, chr4:108,023,541, plus strand): 5'-AAACACCAATGACCAGCCAGAAGACATTTGAATCTTTGGTAGACTTTAGCAAAGCCCTAG[GA>G]AAGCATCCTGTTTCTTGCAAGGTAAGAGTATGGGTAGCTTGGGAAGGAGGTAGTTCTTTT-3'